The following is an entry in ClinVar:

NM_000719.7(CACNA1C):c.5445-841_5445-840insCTC

Genes: CACNA1C (calcium voltage-gated channel subunit alpha1 C; plus strand), CACNA1C-AS1 (CACNA1C antisense RNA 1; minus strand). Cytogenetic location: 12p13.33.
Variant type: Insertion.
Coding change: c.5445-841_5445-840insCTC on transcript NM_000719.7 (MANE Select); 841 bases into the intron before coding-DNA position 5445 through 840 bases into the intron before coding-DNA position 5445, CTC inserted.
Molecular consequence: intron variant.
Genome position: GRCh38 VCF-style: chr12-2681709-A-ACTC. GRCh37 (hg19) VCF-style: chr12-2790875-A-ACTC.
Other names: c.5445-241_5445-240insCTC (NM_001167624.3, NM_001129830.3); c.5445-841_5445-840insCTC (NM_001167623.2, NM_001129840.2, NM_001129842.2 and 2 more transcripts); c.5625-841_5625-840insCTC (NM_001167625.2); c.5589-241_5589-240insCTC (NM_199460.4); c.5589-841_5589-840insCTC (NM_001129827.2); c.5505-841_5505-840insCTC (NM_001129832.2); c.5529-841_5529-840insCTC (NM_001129831.2); c.5502-841_5502-840insCTC (NM_001129833.2, NM_001129834.2, NM_001129835.2); and 6 more.
Identifiers: ClinVar variation 678715 (VCV000678715.1), dbSNP rs1162703492, ClinGen allele CA602739905.

ClinVar aggregate classification (germline): Likely benign (1 of 4 stars; one submission).

Allele frequency attached by ClinVar (database versions not stated): gnomAD 0.00644 and 0.00684.

Submission:

GeneDx
Classification: Likely benign. Last evaluated: 2018-06-14. Review status: criteria provided, single submitter. Criteria: GeneDx Variant Classification (06012015). Collection method: clinical testing. Allele origin: germline. Affected: yes.
Comment: This variant is considered likely benign or benign based on one or more of the following criteria: it is a conservative change, it occurs at a poorly conserved position in the protein, it is predicted to be benign by multiple in silico algorithms, and/or has population frequency not consistent with disease.